The following is an entry in ClinVar:

NM_000718.4(CACNA1B):c.5243A>T (p.Asp1748Val)

Gene: CACNA1B (calcium voltage-gated channel subunit alpha1 B; plus strand). Cytogenetic location: 9q34.3.
Variant type: single nucleotide variant.
Coding change: c.5243A>T on transcript NM_000718.4 (MANE Select); coding-DNA position 5243, A replaced by T.
Protein change: p.Asp1748Val; replaces aspartic acid 1748 with valine.
Molecular consequence: missense variant.
Genome position (GRCh38, 1-based): chr9:138,102,731, A>T. VCF-style: chr9-138102731-A-T. GRCh37 (hg19) VCF-style: chr9-140997183-A-T.
Other names: c.5243A>T, p.Asp1748Val (NM_001243812.2); short protein forms D1748V.
Identifiers: ClinVar variation 3358669 (VCV003358669.2).

ClinVar aggregate classification (germline): Uncertain significance. Review status: criteria provided, single submitter (1 of 4 stars). 2 submissions from 2 submitters: Uncertain significance (1). 1 of the submissions does not count toward it. Last evaluated 2025-07-26.

Conditions:
CACNA1B-related disorder. Also called: CACNA1B-related condition.

gnomAD v4.1: 9 of 1,611,936 alleles (0.00056%); highest among the groups gnomAD compares: Non-Finnish European, 0.00076%; no homozygotes.

Submissions (2):

GeneDx
Classification: Uncertain significance. Last evaluated: 2025-07-26. Review status: criteria provided, single submitter. Criteria: GeneDx Variant Classification Process June 2021. Collection method: clinical testing. Allele origin: germline. Affected: yes.
Comment: Has not been previously published as pathogenic or benign to our knowledge; In silico analysis supports that this missense variant has a deleterious effect on protein structure/function; Not observed at significant frequency in large population cohorts (gnomAD)

PreventionGenetics, part of Exact Sciences
Classification: Uncertain significance for CACNA1B-related condition. Last evaluated: 2024-06-04. Review status: no assertion criteria provided. Collection method: clinical testing. Allele origin: germline. Not counted in ClinVar's aggregate classification.
Comment: The CACNA1B c.5243A>T variant is predicted to result in the amino acid substitution p.Asp1748Val. To our knowledge, this variant has not been reported in the literature. This variant is reported in 0.00089% of alleles in individuals of European (Non-Finnish) descent in gnomAD. At this time, the clinical significance of this variant is uncertain due to the absence of conclusive functional and genetic evidence.